The following is an entry in ClinVar:

ClinVar aggregate classification (germline): Likely benign. Review status: criteria provided, multiple submitters, no conflicts (2 of 4 stars). 2 submissions from 2 submitters: Likely benign (2). Last evaluated 2026-09-23.

Conditions:
DSCAML1-related disorder. Also called: DSCAML1-related condition.

gnomAD v4.1: 7 of 1,613,612 alleles (0.00043%); highest among the groups gnomAD compares: African/African-American, 0.0093%; no homozygotes.

Submissions (2):

PreventionGenetics, part of Exact Sciences
Classification: Likely benign for DSCAML1-related condition. Last evaluated: 2026-09-23. Review status: criteria provided, single submitter. Criteria: ACMG Guidelines, 2015. Collection method: clinical testing. Allele origin: germline.
Comment: This variant is classified as likely benign based on ACMG/AMP sequence variant interpretation guidelines (Richards et al. 2015 PMID: 25741868, with internal and published modifications).

Labcorp Genetics (formerly Invitae), Labcorp
Classification: Likely benign. Last evaluated: 2025-07-02. Review status: criteria provided, single submitter. Criteria: Invitae Variant Classification Sherloc (09022015). Collection method: clinical testing. Allele origin: germline.

NM_020693.4(DSCAML1):c.3540T>C (p.Ser1180=)

Gene: DSCAML1 (DS cell adhesion molecule like 1; minus strand). Cytogenetic location: 11q23.3.
Variant type: single nucleotide variant.
Coding change: c.3540T>C on transcript NM_020693.4 (MANE Select); coding-DNA position 3540, T replaced by C.
Protein change: p.Ser1180=; no amino-acid change (serine 1180 retained).
Molecular consequence: synonymous variant.
Genome position (GRCh38, 1-based): chr11:117,458,782, A>G on the plus strand (T>C on the coding strand, the complement: DSCAML1 is on the minus strand). VCF-style: chr11-117458782-A-G. GRCh37 (hg19) VCF-style: chr11-117329498-A-G.
Other names: c.3720T>C (NM_020693.3).
Identifiers: ClinVar variation 3708651 (VCV003708651.3).